The following is an entry in ClinVar:

ClinVar aggregate classification (germline): Uncertain significance (1 of 4 stars; one submission).

Conditions:
IFT81-related disorder. Also called: IFT81-related condition.

Submission:

PreventionGenetics, part of Exact Sciences
Classification: Uncertain significance for IFT81-related condition. Last evaluated: 2026-02-10. Review status: criteria provided, single submitter. Criteria: ACMG Guidelines, 2015. Collection method: clinical testing. Allele origin: germline.
Comment: The IFT81 c.1112G>A variant is predicted to result in the amino acid substitution p.Ser371Asn. To our knowledge, this variant has not been reported in the literature or in a large population database (gnomAD), indicating this variant is rare. At this time, the clinical significance of this variant is uncertain due to the absence of conclusive functional and genetic evidence.

NM_014055.4(IFT81):c.1112G>A (p.Ser371Asn)

Gene: IFT81 (intraflagellar transport 81; plus strand). Cytogenetic location: 12q24.11.
Variant type: single nucleotide variant.
Coding change: c.1112G>A on transcript NM_014055.4 (MANE Select); coding-DNA position 1112, G replaced by A.
Protein change: p.Ser371Asn; replaces serine 371 with asparagine.
Molecular consequence: missense variant. On other transcripts: non-coding transcript variant (4).
Genome position (GRCh38, 1-based): chr12:110,162,989, G>A. VCF-style: chr12-110162989-G-A. GRCh37 (hg19) VCF-style: chr12-110600794-G-A.
Other names: c.1112G>A, p.Ser371Asn (NM_001143779.2, NM_001347946.2, NM_031473.4); c.182G>A, p.Ser61Asn (NM_001347947.2, NM_001347948.2); short protein forms S61N, S371N.
Identifiers: ClinVar variation 4991778 (VCV004991778.1).